The following is an entry in ClinVar:

ClinVar aggregate classification (germline): Uncertain significance. Review status: criteria provided, multiple submitters, no conflicts (2 of 4 stars). 2 submissions from 2 submitters: Uncertain significance (2). Last evaluated 2023-06-24.

Conditions:
Tuberous sclerosis 2 (TSC2). Identifiers: Orphanet 805, MedGen C1860707, MONDO:0013199, OMIM 613254.
Hereditary cancer-predisposing syndrome. Also called: Neoplastic Syndromes, Hereditary; Hereditary Cancer Syndrome; Tumor predisposition; Hereditary neoplastic syndrome. Identifiers: Orphanet 140162, MedGen C0027672, MeSH D009386, MONDO:0015356.

Submissions (2):

Ambry Genetics
Classification: Uncertain significance for Hereditary cancer-predisposing syndrome. Last evaluated: 2023-06-24. Review status: criteria provided, single submitter. Criteria: Ambry Variant Classification Scheme 2023. Collection method: clinical testing. Allele origin: germline.
Comment: The p.Q732H variant (also known as c.2196G>T), located in coding exon 19 of the TSC2 gene, results from a G to T substitution at nucleotide position 2196. The glutamine at codon 732 is replaced by histidine, an amino acid with highly similar properties. This amino acid position is conserved. In addition, the in silico prediction for this alteration is inconclusive. Since supporting evidence is limited at this time, the clinical significance of this alteration remains unclear.

Labcorp Genetics (formerly Invitae), Labcorp
Classification: Uncertain significance for Tuberous sclerosis 2. Last evaluated: 2021-08-22. Review status: criteria provided, single submitter. Criteria: Invitae Variant Classification Sherloc (09022015). Collection method: clinical testing. Allele origin: germline.
Comment: This variant has not been reported in the literature in individuals affected with TSC2-related conditions. Advanced modeling of protein sequence and biophysical properties (such as structural, functional, and spatial information, amino acid conservation, physicochemical variation, residue mobility, and thermodynamic stability) performed at Invitae indicates that this missense variant is not expected to disrupt TSC2 protein function. In summary, the available evidence is currently insufficient to determine the role of this variant in disease. Therefore, it has been classified as a Variant of Uncertain Significance. This variant is not present in population databases (ExAC no frequency). This sequence change replaces glutamine with histidine at codon 732 of the TSC2 protein (p.Gln732His). The glutamine residue is moderately conserved and there is a small physicochemical difference between glutamine and histidine.

NM_000548.5(TSC2):c.2196G>T (p.Gln732His)

Gene: TSC2 (TSC complex subunit 2; plus strand). Cytogenetic location: 16p13.3.
Variant type: single nucleotide variant.
Coding change: c.2196G>T on transcript NM_000548.5 (MANE Select); coding-DNA position 2196, G replaced by T.
Protein change: p.Gln732His; replaces glutamine 732 with histidine.
Molecular consequence: missense variant.
Genome position (GRCh38, 1-based): chr16:2,072,339, G>T. VCF-style: chr16-2072339-G-T. GRCh37 (hg19) VCF-style: chr16-2122340-G-T.
Other names: c.2196G>T (NM_000548.3); c.2196G>T, p.Gln732His (NM_001077183.3, NM_001114382.3, NM_001363528.2 and 3 more transcripts); c.2085G>T, p.Gln695His (NM_001318827.2); c.2049G>T, p.Gln683His (NM_001318829.2); c.1596G>T, p.Gln532His (NM_001318831.2); c.2229G>T, p.Gln743His (NM_001318832.2); short protein forms Q683H, Q743H, Q732H, Q532H, Q695H.
Identifiers: ClinVar variation 1434449 (VCV001434449.7), dbSNP rs765646245, ClinGen allele CA394275049.